The following is an entry in ClinVar:

ClinVar aggregate classification (germline): Pathogenic. Review status: criteria provided, multiple submitters, no conflicts (2 of 4 stars). 4 submissions from 4 submitters: Pathogenic (4). Last evaluated 2025-04-28.

Conditions:
Mucopolysaccharidosis, MPS-III-B (MPS3B). Also called: N-ACETYL-ALPHA-D-GLUCOSAMINIDASE DEFICIENCY; NAGLU DEFICIENCY; SANFILIPPO SYNDROME B; Mucopolysaccharidosis type IIIB (Sanfilippo B); MPS IIIB (Sanfilippo Syndrome Type B); MUCOPOLYSACCHARIDOSIS, TYPE IIIB. Identifiers: Orphanet 79270, MedGen C0086648, MONDO:0009656, OMIM 252920.
Charcot-Marie-Tooth disease axonal type 2V. Also called: CHARCOT-MARIE-TOOTH NEUROPATHY, TYPE 2V; CHARCOT-MARIE-TOOTH DISEASE, AXONAL, AUTOSOMAL DOMINANT, TYPE 2V. Identifiers: Orphanet 447964, MedGen C5569050, MONDO:0014665, OMIM 616491.

Allele frequency attached by ClinVar (database versions not stated): gnomAD exomes below 0.00001.
gnomAD v4.1: 2 of 1,614,114 alleles (0.00012%); highest among the groups gnomAD compares: Admixed American, 0.0017%; no homozygotes.

Submissions (4):

Labcorp Genetics (formerly Invitae), Labcorp
Classification: Pathogenic for Charcot-Marie-Tooth disease axonal type 2V; Mucopolysaccharidosis, MPS-III-B. Last evaluated: 2025-04-28. Review status: criteria provided, single submitter. Criteria: Invitae Variant Classification Sherloc (09022015). Collection method: clinical testing. Allele origin: germline.
Comment: This sequence change replaces tyrosine, which is neutral and polar, with cysteine, which is neutral and slightly polar, at codon 309 of the NAGLU protein (p.Tyr309Cys). This variant is present in population databases (no rsID available, gnomAD 0.003%). This missense change has been observed in individuals with mucopolysaccharidosis type III (PMID: 11836372, 16151907, 25466957). It has also been observed to segregate with disease in related individuals. ClinVar contains an entry for this variant (Variation ID: 841655). Invitae Evidence Modeling of protein sequence and biophysical properties (such as structural, functional, and spatial information, amino acid conservation, physicochemical variation, residue mobility, and thermodynamic stability) indicates that this missense variant is expected to disrupt NAGLU protein function with a positive predictive value of 95%. Experimental studies have shown that this missense change affects NAGLU function (PMID: 11836372). For these reasons, this variant has been classified as Pathogenic.

Natera, Inc.
Classification: Pathogenic for Mucopolysaccharidosis type IIIB. Last evaluated: 2024-10-28. Review status: criteria provided, single submitter. Criteria: Natera Variant Classification Schema (03/2026). Collection method: clinical testing. Allele origin: germline.
Comment: The c.926A>G variant in NAGLU is a missense variant predicted to cause substitution of tyrosine to cysteine at amino acid 309. This variant is rare in the general population with a frequency below the threshold expected for the associated phenotype(s). This variant has been observed in one or more individuals affected with the associated recessive disease, as either homozygous or compound heterozygous with a second variant (PMID: 30070758, 25466957, 16151907, 38425718, 37596900). Additionally, this variant has been observed to segregate in affected family members (PMID: 25466957). Functional studies show that this variant may disrupt protein function (PMID: 11836372). Computational prediction algorithms indicate this variant is likely to affect gene or protein function. Given the available evidence, this variant is classified as Pathogenic.

Fulgent Genetics
Classification: Pathogenic for Mucopolysaccharidosis, MPS-III-B; Charcot-Marie-Tooth disease axonal type 2V. Last evaluated: 2024-03-07. Review status: criteria provided, single submitter. Criteria: ACMG Guidelines, 2015. Collection method: clinical testing. Allele origin: germline.

Women's Health and Genetics/Laboratory Corporation of America, LabCorp
Classification: Pathogenic for Mucopolysaccharidosis, MPS-III-B. Last evaluated: 2023-02-27. Review status: criteria provided, single submitter. Criteria: LabCorp Variant Classification Summary - May 2015. Collection method: clinical testing. Allele origin: germline.
Comment: Variant summary: NAGLU c.926A>G (p.Tyr309Cys) results in a non-conservative amino acid change located in the Alpha-N-acetylglucosaminidase, tim-barrel domain (IPR024733) of the encoded protein sequence. Five of five in-silico tools predict a damaging effect of the variant on protein function. The variant allele was found at a frequency of 4e-06 in 251438 control chromosomes. c.926A>G has been reported in the literature in multiple individuals affected with Mucopolysaccharidosis Type IIIB (Sanfilippo Syndrome B) (Lee-Chen_2002, Beesley_2005, Shi_2014, Lin_2018, Chien_2020, etc.). These data indicate that the variant is very likely to be associated with disease. At least one publication reports experimental evidence evaluating an impact on protein function. The most pronounced variant effect results in <10% of normal activity (Lee-Chen_2002). Two ClinVar submitters have submitted clinical-significance assessments for this variant to ClinVar after 2014. All laboratories classified the variant as pathogenic (n=2). Based on the evidence outlined above, the variant was classified as pathogenic.

Literature cited by the submitters: PubMed 11836372 (cited by 3 submitters); PubMed 16151907 (cited by 3 submitters); PubMed 25466957 (cited by 3 submitters); PubMed 30070758 (cited by Natera, Inc. and Women's Health and Genetics/Laboratory Corporation of America, LabCorp); PubMed 38425718 (cited by Natera, Inc.); PubMed 37596900 (cited by Natera, Inc.); PubMed 32014045 (cited by Women's Health and Genetics/Laboratory Corporation of America, LabCorp).

NM_000263.4(NAGLU):c.926A>G (p.Tyr309Cys)

Gene: NAGLU (N-acetyl-alpha-glucosaminidase; plus strand). Cytogenetic location: 17q21.2.
Variant type: single nucleotide variant.
Coding change: c.926A>G on transcript NM_000263.4 (MANE Select); coding-DNA position 926, A replaced by G.
Protein change: p.Tyr309Cys; replaces tyrosine 309 with cysteine.
Molecular consequence: missense variant.
Genome position (GRCh38, 1-based): chr17:42,541,111, A>G. VCF-style: chr17-42541111-A-G. GRCh37 (hg19) VCF-style: chr17-40693129-A-G.
Other names: short protein forms Y309C.
Identifiers: ClinVar variation 841655 (VCV000841655.11), dbSNP rs1305299665, ClinGen allele CA399600227.